The following is an entry in ClinVar:

ClinVar aggregate classification (germline): Uncertain significance (1 of 4 stars; one submission).

Conditions:
Colorectal cancer, hereditary nonpolyposis, type 7. Identifiers: Orphanet 144, MedGen C1858380, MONDO:0013725, OMIM 614385.

Allele frequency attached by ClinVar (database versions not stated): gnomAD exomes below 0.00001; TOPMed 0.00001.

Submission:

Labcorp Genetics (formerly Invitae), Labcorp
Classification: Uncertain significance for Colorectal cancer, hereditary nonpolyposis, type 7. Last evaluated: 2022-08-22. Review status: criteria provided, single submitter. Criteria: Invitae Variant Classification Sherloc (09022015). Collection method: clinical testing. Allele origin: germline.
Comment: In summary, the available evidence is currently insufficient to determine the role of this variant in disease. Therefore, it has been classified as a Variant of Uncertain Significance. Algorithms developed to predict the effect of sequence changes on RNA splicing suggest that this variant may create or strengthen a splice site. Algorithms developed to predict the effect of missense changes on protein structure and function are either unavailable or do not agree on the potential impact of this missense change (SIFT: "Deleterious"; PolyPhen-2: "Possibly Damaging"; Align-GVGD: "Class C0"). ClinVar contains an entry for this variant (Variation ID: 1520533). This variant has not been reported in the literature in individuals affected with MLH3-related conditions. This variant is not present in population databases (gnomAD no frequency). This sequence change replaces glutamic acid, which is acidic and polar, with valine, which is neutral and non-polar, at codon 1436 of the MLH3 protein (p.Glu1436Val).

NM_001040108.2(MLH3):c.4307A>T (p.Glu1436Val)

Gene: MLH3 (mutL homolog 3; minus strand). Cytogenetic location: 14q24.3.
Variant type: single nucleotide variant.
Coding change: c.4307A>T on transcript NM_001040108.2 (MANE Select); coding-DNA position 4307, A replaced by T.
Protein change: p.Glu1436Val; replaces glutamic acid 1436 with valine.
Molecular consequence: missense variant.
Genome position (GRCh38, 1-based): chr14:75,017,137, T>A on the plus strand (A>T on the coding strand, the complement: MLH3 is on the minus strand). VCF-style: chr14-75017137-T-A. GRCh37 (hg19) VCF-style: chr14-75483840-T-A.
Other names: c.4235A>T, p.Glu1412Val (NM_014381.3); short protein forms E1412V, E1436V.
Identifiers: ClinVar variation 1520533 (VCV001520533.8), dbSNP rs1297572379, ClinGen allele CA390417823.